The following is an entry in ClinVar:

NM_000245.4(MET):c.510C>G (p.Ser170Arg)

Gene: MET (MET proto-oncogene, receptor tyrosine kinase; plus strand). Cytogenetic location: 7q31.2.
Variant type: single nucleotide variant.
Coding change: c.510C>G on transcript NM_000245.4 (MANE Select); coding-DNA position 510, C replaced by G.
Protein change: p.Ser170Arg; replaces serine 170 with arginine.
Molecular consequence: missense variant. On other transcripts: intron variant (1).
Genome position (GRCh38, 1-based): chr7:116,699,594, C>G. VCF-style: chr7-116699594-C-G. GRCh37 (hg19) VCF-style: chr7-116339648-C-G.
Other names: c.510C>G, p.Ser170Arg (NM_001127500.3, NM_001324401.3); c.-91+27017C>G (NM_001324402.2); short protein forms S170R.
Identifiers: ClinVar variation 134647 (VCV000134647.14), dbSNP rs587778442, ClinGen allele CA160430.
Genomic context (GRCh38, chr7:116,699,594, plus strand): 5'-TACTGCTGACATACAGTCGGAGGTTCACTGCATATTCTCCCCACAGATAGAAGAGCCCAG[C>G]CAGTGTCCTGACTGTGTGGTGAGCGCCCTGGGAGCCAAAGTCCTTTCATCTGTAAAGGAC-3'
Protein context (NP_000236.2, residues 160-180): CIFSPQIEEP[Ser170Arg]QCPDCVVSAL

ClinVar aggregate classification (germline): Conflicting classifications of pathogenicity. Review status: criteria provided, conflicting classifications (1 of 4 stars). 4 submissions from 4 submitters: Uncertain significance (2); Likely benign (1). 1 of the submissions does not count toward it. Last evaluated 2026-01-14.

Conditions:
Renal cell carcinoma. Identifiers: Orphanet 217071, MedGen C0007134, MeSH D002292, MONDO:0005086, HP:0005584.
Hereditary cancer-predisposing syndrome. Also called: Tumor predisposition; Hereditary neoplastic syndrome; Neoplastic Syndromes, Hereditary; Hereditary Cancer Syndrome. Identifiers: Orphanet 140162, MedGen C0027672, MeSH D009386, MONDO:0015356.

Allele frequency attached by ClinVar (database versions not stated): gnomAD exomes 0.00001; TOPMed 0.00001; gnomAD 0.00003 and 0.00004.
gnomAD v4.1: 25 of 1,613,866 alleles (0.0015%); highest among the groups gnomAD compares: Non-Finnish European, 0.002%; no homozygotes.

Submissions (4):

Labcorp Genetics (formerly Invitae), Labcorp
Classification: Uncertain significance for Renal cell carcinoma. Last evaluated: 2026-01-14. Review status: criteria provided, single submitter. Criteria: Invitae Variant Classification Sherloc (09022015). Collection method: clinical testing. Allele origin: germline.
Comment: This sequence change replaces serine, which is neutral and polar, with arginine, which is basic and polar, at codon 170 of the MET protein (p.Ser170Arg). This variant is present in population databases (rs587778442, gnomAD 0.004%). This variant has not been reported in the literature in individuals affected with MET-related conditions. ClinVar contains an entry for this variant (Variation ID: 134647). Invitae Evidence Modeling of protein sequence and biophysical properties (such as structural, functional, and spatial information, amino acid conservation, physicochemical variation, residue mobility, and thermodynamic stability) indicates that this missense variant is not expected to disrupt MET protein function with a negative predictive value of 80%. In summary, the available evidence is currently insufficient to determine the role of this variant in disease. Therefore, it has been classified as a Variant of Uncertain Significance.

Ambry Genetics
Classification: Likely benign for Hereditary cancer-predisposing syndrome. Last evaluated: 2025-04-09. Review status: criteria provided, single submitter. Criteria: Ambry Variant Classification Scheme 2023. Collection method: clinical testing. Allele origin: germline.

GeneDx
Classification: Uncertain significance. Last evaluated: 2022-12-22. Review status: criteria provided, single submitter. Criteria: GeneDx Variant Classification Process June 2021. Collection method: clinical testing. Allele origin: germline. Affected: yes.
Comment: Not observed at significant frequency in large population cohorts (gnomAD); In silico analysis supports that this missense variant does not alter protein structure/function; Identified in healthy individuals undergoing whole genome sequencing (Bodian et al., 2014); This variant is associated with the following publications: (PMID: 24728327)

ITMI
No classification provided. Condition: AllHighlyPenetrant. Last evaluated: 2013-09-19. Review status: no classification provided. Collection method: reference population. Allele origin: germline. Not counted in ClinVar's aggregate classification.
Comment: Please see associated publication for description of ethnicities

Literature cited by the submitters: PubMed 24728327 (cited by Ambry Genetics and ITMI).